The following is an entry in ClinVar:

ClinVar aggregate classification (germline): Pathogenic (1 of 4 stars; one submission).

Conditions:
Glycogen storage disease, type V (GSD5). Also called: MCARDLE DISEASE; MUSCLE GLYCOGEN PHOSPHORYLASE DEFICIENCY; MYOPHOSPHORYLASE DEFICIENCY; PYGM DEFICIENCY; McArdle type glycogen storage disease. Identifiers: Orphanet 368, MedGen C0017924, MONDO:0009293, OMIM 232600.

Submission:

Labcorp Genetics (formerly Invitae), Labcorp
Classification: Pathogenic for Glycogen storage disease, type V. Last evaluated: 2023-08-10. Review status: criteria provided, single submitter. Criteria: Invitae Variant Classification Sherloc (09022015). Collection method: clinical testing. Allele origin: germline.
Comment: This sequence change creates a premature translational stop signal (p.Gln666*) in the PYGM gene. It is expected to result in an absent or disrupted protein product. Loss-of-function variants in PYGM are known to be pathogenic (PMID: 8316268, 16786513). This variant is not present in population databases (gnomAD no frequency). This variant has not been reported in the literature in individuals affected with PYGM-related conditions. For these reasons, this variant has been classified as Pathogenic.

Literature cited by the submitters: PubMed 8316268; PubMed 16786513.

NM_005609.4(PYGM):c.1996C>T (p.Gln666Ter)

Gene: PYGM (glycogen phosphorylase, muscle associated; minus strand). Cytogenetic location: 11q13.1.
Variant type: single nucleotide variant.
Coding change: c.1996C>T on transcript NM_005609.4 (MANE Select); coding-DNA position 1996, C replaced by T.
Protein change: p.Gln666Ter; replaces glutamine 666 with a stop codon.
Molecular consequence: nonsense.
Genome position (GRCh38, 1-based): chr11:64,750,557, G>A on the plus strand (C>T on the coding strand, the complement: PYGM is on the minus strand). VCF-style: chr11-64750557-G-A. GRCh37 (hg19) VCF-style: chr11-64518029-G-A.
Other names: c.1732C>T, p.Gln578Ter (NM_001164716.1); short protein forms Q578*, Q666*.
Identifiers: ClinVar variation 2995430 (VCV002995430.3), dbSNP rs119103256, ClinGen allele CA381168208.